The following is an entry in ClinVar:

ClinVar aggregate classification (germline): Uncertain significance. Review status: criteria provided, multiple submitters, no conflicts (2 of 4 stars). 2 submissions from 2 submitters: Uncertain significance (2). Last evaluated 2025-09-16.

Submissions (2):

Women's Health and Genetics/Laboratory Corporation of America, LabCorp
Classification: Uncertain significance. Last evaluated: 2025-09-16. Review status: criteria provided, single submitter. Criteria: LabCorp Variant Classification Summary - May 2015. Collection method: clinical testing. Allele origin: germline.
Comment: Variant summary: PDE6A c.1630C>G (p.Arg544Gly) results in a non-conservative amino acid change in the encoded protein sequence. Algorithms developed to predict the effect of missense changes on protein structure and function are either unavailable or do not agree on the potential impact of this missense change. The variant was absent in 251424 control chromosomes. The available data on variant occurrences in the general population are insufficient to allow any conclusion about variant significance. To our knowledge, no occurrence of c.1630C>G in individuals affected with PDE6A-related conditions and no experimental evidence demonstrating its impact on protein function have been reported. ClinVar contains an entry for this variant (Variation ID: 1022903). Based on the evidence outlined above, the variant was classified as uncertain significance.

Labcorp Genetics (formerly Invitae), Labcorp
Classification: Uncertain significance. Last evaluated: 2020-05-23. Review status: criteria provided, single submitter. Criteria: Invitae Variant Classification Sherloc (09022015). Collection method: clinical testing. Allele origin: germline.
Comment: In summary, the available evidence is currently insufficient to determine the role of this variant in disease. Therefore, it has been classified as a Variant of Uncertain Significance. This variant disrupts the p.Arg544 amino acid residue in PDE6A. Other variant(s) that disrupt this residue have been determined to be pathogenic (PMID: 23134348, 28041643, Invitae). This suggests that this residue is clinically significant, and that variants that disrupt this residue are likely to be disease-causing. Algorithms developed to predict the effect of missense changes on protein structure and function are either unavailable or do not agree on the potential impact of this missense change (SIFT: "Tolerated"; PolyPhen-2: "Probably Damaging"; Align-GVGD: "Class C15"). This variant has not been reported in the literature in individuals with PDE6A-related conditions. This variant is not present in population databases (ExAC no frequency). This sequence change replaces arginine with glycine at codon 544 of the PDE6A protein (p.Arg544Gly). The arginine residue is highly conserved and there is a moderate physicochemical difference between arginine and glycine.

Literature cited by the submitters: PubMed 23134348 (cited by Labcorp Genetics (formerly Invitae), Labcorp); PubMed 28041643 (cited by Labcorp Genetics (formerly Invitae), Labcorp).

NM_000440.3(PDE6A):c.1630C>G (p.Arg544Gly)

Gene: PDE6A (phosphodiesterase 6A; minus strand). Cytogenetic location: 5q32.
Variant type: single nucleotide variant.
Coding change: c.1630C>G on transcript NM_000440.3 (MANE Select); coding-DNA position 1630, C replaced by G.
Protein change: p.Arg544Gly; replaces arginine 544 with glycine.
Molecular consequence: missense variant.
Genome position (GRCh38, 1-based): chr5:149,895,281, G>C on the plus strand (C>G on the coding strand, the complement: PDE6A is on the minus strand). VCF-style: chr5-149895281-G-C. GRCh37 (hg19) VCF-style: chr5-149274844-G-C.
Other names: short protein forms R544G.
Identifiers: ClinVar variation 1022903 (VCV001022903.9), dbSNP rs144484128, ClinGen allele CA361695241.